The following is an entry in ClinVar:

ClinVar aggregate classification (germline): Conflicting classifications of pathogenicity. Review status: criteria provided, conflicting classifications (1 of 4 stars). 6 submissions from 6 submitters: Uncertain significance (5); Likely benign (1). Last evaluated 2026-05-28.

Conditions:
Inborn genetic diseases. Identifiers: MedGen C0950123, MeSH D030342.
OPA1-related disorder. Also called: OPA1-related disorders; OPA1-related condition.

Allele frequency attached by ClinVar (database versions not stated): ExAC 0.00002; gnomAD exomes 0.00003.
gnomAD v4.1: 16 of 1,614,110 alleles (0.00099%); highest among the groups gnomAD compares: South Asian, 0.0099%; no homozygotes.

Submissions (6):

PreventionGenetics, part of Exact Sciences
Classification: Uncertain significance for OPA1-related condition. Last evaluated: 2026-05-28. Review status: criteria provided, single submitter. Criteria: ACMG Guidelines, 2015. Collection method: clinical testing. Allele origin: germline.
Comment: The OPA1 c.187T>A variant is predicted to result in the amino acid substitution p.Ser63Thr. To our knowledge, this variant has not been reported in the literature. This variant is reported in 0.016% of alleles in individuals of South Asian descent in gnomAD. At this time, the clinical significance of this variant is uncertain due to the absence of conclusive functional and genetic evidence.

GeneDx
Classification: Uncertain significance. Last evaluated: 2025-03-27. Review status: criteria provided, single submitter. Criteria: GeneDx Variant Classification Process June 2021. Collection method: clinical testing. Allele origin: germline. Affected: yes.
Comment: In silico analysis indicates that this missense variant does not alter protein structure/function; Has not been previously published as pathogenic or benign to our knowledge

Ambry Genetics
Classification: Uncertain significance for Inborn genetic diseases. Last evaluated: 2025-03-26. Review status: criteria provided, single submitter. Criteria: Ambry Variant Classification Scheme 2023. Collection method: clinical testing. Allele origin: germline.

Labcorp Genetics (formerly Invitae), Labcorp
Classification: Likely benign. Last evaluated: 2024-07-22. Review status: criteria provided, single submitter. Criteria: Invitae Variant Classification Sherloc (09022015). Collection method: clinical testing. Allele origin: germline.

Mayo Clinic Laboratories, Mayo Clinic
Classification: Uncertain significance. Last evaluated: 2019-05-19. Review status: criteria provided, single submitter. Criteria: ACMG Guidelines, 2015. Collection method: clinical testing. Allele origin: germline. Observed: 1 variant allele.

Blueprint Genetics
Classification: Uncertain significance. Last evaluated: 2018-08-01. Review status: criteria provided, single submitter. Criteria: ACMG Guidelines, 2015. Collection method: clinical testing. Allele origin: germline.

NM_130837.3(OPA1):c.187T>A (p.Ser63Thr)

Gene: OPA1 (OPA1 mitochondrial dynamin like GTPase; plus strand). Cytogenetic location: 3q29.
Variant type: single nucleotide variant.
Coding change: c.187T>A on transcript NM_130837.3 (MANE Select); coding-DNA position 187, T replaced by A.
Protein change: p.Ser63Thr; replaces serine 63 with threonine.
Molecular consequence: missense variant. On other transcripts: 5 prime UTR variant (2).
Genome position (GRCh38, 1-based): chr3:193,614,877, T>A. VCF-style: chr3-193614877-T-A. GRCh37 (hg19) VCF-style: chr3-193332666-T-A.
Other names: c.-186T>A (NM_001354663.2, NM_001354664.2); c.187T>A, p.Ser63Thr (NM_015560.3, NM_130831.3, NM_130832.3 and 4 more transcripts); c.187T>A (NM_130837.2); short protein forms S63T.
Identifiers: ClinVar variation 1163831 (VCV001163831.11), dbSNP rs777179811, ClinGen allele CA2758947.
Genomic context (GRCh38, chr3:193,614,877, plus strand): 5'-TCACATCATCCTACCTTAAAGCTTCAACGACCCCAATTAAGGACATCCTTTCAGCAGTTC[T>A]CTTCTCTGACAAACCTTCCTTTACGTAAACTGAAATTCTCTCCAATTAAATATGGCTACC-3'
Protein context (NP_570850.2, residues 53-73): PQLRTSFQQF[Ser63Thr]SLTNLPLRKL